The following is an entry in ClinVar:

ClinVar aggregate classification (germline): Uncertain significance (1 of 4 stars; one submission).

Conditions:
Multiple congenital anomalies-hypotonia-seizures syndrome 1 (MCAHS1). Also called: GLYCOSYLPHOSPHATIDYLINOSITOL BIOSYNTHESIS DEFECT 3; PIGN-CDG; Congenital disorder of glycosylation due to PIGN deficiency. Identifiers: Orphanet 280633, MedGen C3279775, MONDO:0013563, OMIM 614080.

Allele frequency attached by ClinVar (database versions not stated): gnomAD exomes below 0.00001; gnomAD 0.00001.
gnomAD v4.1: 2 of 1,612,574 alleles (0.00012%); highest among the groups gnomAD compares: African/African-American, 0.0013%; no homozygotes.

Submission:

Labcorp Genetics (formerly Invitae), Labcorp
Classification: Uncertain significance for Multiple congenital anomalies-hypotonia-seizures syndrome 1. Last evaluated: 2025-04-02. Review status: criteria provided, single submitter. Criteria: Invitae Variant Classification Sherloc (09022015). Collection method: clinical testing. Allele origin: germline.
Comment: This sequence change replaces tyrosine, which is neutral and polar, with cysteine, which is neutral and slightly polar, at codon 895 of the PIGN protein (p.Tyr895Cys). This variant is present in population databases (no rsID available, gnomAD 0.0009%). This variant has not been reported in the literature in individuals affected with PIGN-related conditions. ClinVar contains an entry for this variant (Variation ID: 2190984). Invitae Evidence Modeling of protein sequence and biophysical properties (such as structural, functional, and spatial information, amino acid conservation, physicochemical variation, residue mobility, and thermodynamic stability) indicates that this missense variant is expected to disrupt PIGN protein function with a positive predictive value of 80%. In summary, the available evidence is currently insufficient to determine the role of this variant in disease. Therefore, it has been classified as a Variant of Uncertain Significance.

NM_176787.5(PIGN):c.2684A>G (p.Tyr895Cys)

Gene: PIGN (phosphatidylinositol glycan anchor biosynthesis class N; minus strand). Cytogenetic location: 18q21.33.
Variant type: single nucleotide variant.
Coding change: c.2684A>G on transcript NM_176787.5 (MANE Select); coding-DNA position 2684, A replaced by G.
Protein change: p.Tyr895Cys; replaces tyrosine 895 with cysteine.
Molecular consequence: missense variant.
Genome position (GRCh38, 1-based): chr18:62,045,968, T>C on the plus strand (A>G on the coding strand, the complement: PIGN is on the minus strand). VCF-style: chr18-62045968-T-C. GRCh37 (hg19) VCF-style: chr18-59713201-T-C.
Other names: c.2684A>G, p.Tyr895Cys (NM_012327.6); short protein forms Y895C.
Identifiers: ClinVar variation 2190984 (VCV002190984.2), dbSNP rs1267350488, ClinGen allele CA402723372.
Genomic context (GRCh38, chr18:62,045,968, plus strand): 5'-AGCAGCTGGGCCAGGCCATTGAGGAACACCAAAAAGATGGTCATGGACATGACAATCACA[T>C]AGTGGCTGATGCTGCAAAAGGAGAAAAAGATGTTACAGGCAGAGAGAACACAGGTGAGGA-3'
Protein context (NP_789744.1, residues 885-905): WLDIGTSISH[Tyr895Cys]VIVMSMTIFL